The following is an entry in ClinVar:

ClinVar aggregate classification (germline): Uncertain significance. Review status: criteria provided, multiple submitters, no conflicts (2 of 4 stars). 2 submissions from 2 submitters: Uncertain significance (2). Last evaluated 2025-12-25.

Conditions:
Cardiovascular phenotype. Identifiers: MedGen CN230736.

Allele frequency attached by ClinVar (database versions not stated): gnomAD exomes 0.00001 and 0.00004; ExAC 0.00005; gnomAD 0.00007 and 0.00008; TOPMed 0.00007; ESP Exome Variant Server 0.00023.
gnomAD v4.1: 31 of 1,612,050 alleles (0.0019%); highest among the groups gnomAD compares: Middle Eastern, 0.033%; no homozygotes.

Submissions (2):

Labcorp Genetics (formerly Invitae), Labcorp
Classification: Uncertain significance. Last evaluated: 2025-12-25. Review status: criteria provided, single submitter. Criteria: Invitae Variant Classification Sherloc (09022015). Collection method: clinical testing. Allele origin: germline.
Comment: This sequence change replaces arginine, which is basic and polar, with glutamine, which is neutral and polar, at codon 30 of the MFAP5 protein (p.Arg30Gln). This variant is present in population databases (rs145592970, gnomAD 0.03%). This variant has not been reported in the literature in individuals affected with MFAP5-related conditions. ClinVar contains an entry for this variant (Variation ID: 1491794). An algorithm developed to predict the effect of missense changes on protein structure and function (PolyPhen-2) suggests that this variant is likely to be tolerated. In summary, the available evidence is currently insufficient to determine the role of this variant in disease. Therefore, it has been classified as a Variant of Uncertain Significance.

Ambry Genetics
Classification: Uncertain significance for Cardiovascular phenotype. Last evaluated: 2024-12-17. Review status: criteria provided, single submitter. Criteria: Ambry Variant Classification Scheme 2023. Collection method: clinical testing. Allele origin: germline.
Comment: The p.R30Q variant (also known as c.89G>A), located in coding exon 2 of the MFAP5 gene, results from a G to A substitution at nucleotide position 89. The arginine at codon 30 is replaced by glutamine, an amino acid with highly similar properties. This amino acid position is highly conserved in available vertebrate species. In addition, this alteration is predicted to be tolerated by in silico analysis. Since supporting evidence is limited at this time, the clinical significance of this alteration remains unclear.

NM_003480.4(MFAP5):c.89G>A (p.Arg30Gln)

Gene: MFAP5 (microfibril associated protein 5; minus strand). Cytogenetic location: 12p13.31.
Variant type: single nucleotide variant.
Coding change: c.89G>A on transcript NM_003480.4 (MANE Select); coding-DNA position 89, G replaced by A.
Protein change: p.Arg30Gln; replaces arginine 30 with glutamine.
Molecular consequence: missense variant. On other transcripts: non-coding transcript variant (2), intron variant (1).
Genome position (GRCh38, 1-based): chr12:8,660,868, C>T on the plus strand (G>A on the coding strand, the complement: MFAP5 is on the minus strand). VCF-style: chr12-8660868-C-T. GRCh37 (hg19) VCF-style: chr12-8813464-C-T.
Other names: c.89G>A, p.Arg30Gln (NM_001297709.2, NM_001297711.2, NM_001297712.2); c.58+1179G>A (NM_001297710.2); short protein forms R30Q.
Identifiers: ClinVar variation 1491794 (VCV001491794.11), dbSNP rs145592970, ClinGen allele CA6434772.